The following is an entry in ClinVar:

NM_018026.4(PACS1):c.1839-18_1839-17insTGGGCAGTG

Gene: PACS1 (phosphofurin acidic cluster sorting protein 1; plus strand). Cytogenetic location: 11q13.2.
Variant type: Insertion.
Coding change: c.1839-18_1839-17insTGGGCAGTG on transcript NM_018026.4 (MANE Select); 18 bases into the intron before coding-DNA position 1839 through 17 bases into the intron before coding-DNA position 1839, TGGGCAGTG inserted.
Molecular consequence: intron variant.
Genome position: GRCh38 VCF-style: chr11-66233766-C-CGTGGGCAGT. GRCh37 (hg19) VCF-style: chr11-66001237-C-CGTGGGCAGT.
Identifiers: ClinVar variation 2137288 (VCV002137288.4), dbSNP rs766848354, ClinGen allele CA6116694.

ClinVar aggregate classification (germline): Uncertain significance (1 of 4 stars; one submission).

Conditions:
Schuurs-Hoeijmakers syndrome. Also called: PACS1-Related Neurodevelopmental Disorder. Identifiers: Orphanet 329224, MedGen C3554343, MONDO:0014006, OMIM 615009.

Submission:

Labcorp Genetics (formerly Invitae), Labcorp
Classification: Uncertain significance for Schuurs-Hoeijmakers syndrome. Last evaluated: 2026-01-05. Review status: criteria provided, single submitter. Criteria: Invitae Variant Classification Sherloc (09022015). Collection method: clinical testing. Allele origin: germline.
Comment: This sequence change falls in intron 15 of the PACS1 gene. It does not directly change the encoded amino acid sequence of the PACS1 protein. This variant is present in population databases (rs766848354, gnomAD 0.009%). This variant has not been reported in the literature in individuals affected with PACS1-related conditions. ClinVar contains an entry for this variant (Variation ID: 2137288). Algorithms developed to predict the effect of sequence changes on RNA splicing suggest that this variant may disrupt the consensus splice site. In summary, the available evidence is currently insufficient to determine the role of this variant in disease. Therefore, it has been classified as a Variant of Uncertain Significance.